The following is an entry in ClinVar:

NM_001267550.2(TTN):c.71C>A (p.Thr24Asn)

Gene: TTN (titin; minus strand). Cytogenetic location: 2q31.2.
Variant type: single nucleotide variant.
Coding change: c.71C>A on transcript NM_001267550.2 (MANE Select); coding-DNA position 71, C replaced by A.
Protein change: p.Thr24Asn; replaces threonine 24 with asparagine.
Molecular consequence: missense variant.
Genome position (GRCh38, 1-based): chr2:178,804,572, G>T on the plus strand (C>A on the coding strand, the complement: TTN is on the minus strand). VCF-style: chr2-178804572-G-T. GRCh37 (hg19) VCF-style: chr2-179669299-G-T.
Other names: c.71C>A, p.Thr24Asn (NM_001256850.1, NM_003319.4, NM_133378.4 and 3 more transcripts); short protein forms T24N.
Identifiers: ClinVar variation 1757645 (VCV001757645.4), dbSNP rs536235994, ClinGen allele CA2006436.
Genomic context (GRCh38, chr2:178,804,572, plus strand): 5'-CAAAGGAAAAAAAAACAAAAGTGTGAATGTGTGAGCTTACCACTAATGTGAGCCTCAAAG[G>T]TTGCGGTACTACCCTCCAGTACCACAACGCTTTGTAACGGCTGCGTAAACGTCGGTGCTT-3'
Protein context (NP_001254479.2, residues 14-34): SVVVLEGSTA[Thr24Asn]FEAHISGFPV

ClinVar aggregate classification (germline): Uncertain significance. Review status: criteria provided, multiple submitters, no conflicts (2 of 4 stars). 3 submissions from 3 submitters: Uncertain significance (3). Last evaluated 2026-04-28.

Conditions:
Cardiovascular phenotype. Identifiers: MedGen CN230736.

gnomAD v4.1: 17 of 1,613,866 alleles (0.0011%); highest among the groups gnomAD compares: Middle Eastern, 0.016%; no homozygotes.

Submissions (3):

Women's Health and Genetics/Laboratory Corporation of America, LabCorp
Classification: Uncertain significance. Last evaluated: 2026-04-28. Review status: criteria provided, single submitter. Criteria: LabCorp Variant Classification Summary - May 2015. Collection method: clinical testing. Allele origin: germline.
Comment: Variant summary: TTN c.71C>A (p.Thr24Asn) results in a non-conservative amino acid change in the encoded protein sequence. Algorithms developed to predict the effect of missense changes on protein structure and function are either unavailable or do not agree on the potential impact of this missense change. The variant allele was found at a frequency of 1.6e-05 in 251094 control chromosomes. The available data on variant occurrences in the general population are insufficient to allow any conclusion about variant significance. To our knowledge, no occurrence of c.71C>A in individuals affected with TTN-related conditions and no experimental evidence demonstrating its impact on protein function have been reported. ClinVar contains an entry for this variant (Variation ID: 1757645). Based on the evidence outlined above, the variant was classified as uncertain significance.

Revvity Omics, Revvity
Classification: Uncertain significance. Last evaluated: 2025-03-17. Review status: criteria provided, single submitter. Criteria: ACMG Guidelines, 2015. Collection method: clinical testing. Allele origin: germline.

Ambry Genetics
Classification: Uncertain significance for Cardiovascular phenotype. Last evaluated: 2020-03-11. Review status: criteria provided, single submitter. Criteria: Ambry Variant Classification Scheme 2023. Collection method: clinical testing. Allele origin: germline.
Comment: The p.T24N variant (also known as c.71C>A), located in coding exon 1 of the TTN gene, results from a C to A substitution at nucleotide position 71. The threonine at codon 24 is replaced by asparagine, an amino acid with similar properties. This amino acid position is highly conserved in available vertebrate species. In addition, this alteration is predicted to be tolerated by in silico analysis. Since supporting evidence is limited at this time, the clinical significance of this alteration remains unclear.